The following is an entry in ClinVar:

NM_001365276.2(TNXB):c.3002C>T (p.Pro1001Leu)

Gene: TNXB (tenascin XB; minus strand). Cytogenetic location: 6p21.33.
Variant type: single nucleotide variant.
Coding change: c.3002C>T on transcript NM_001365276.2 (MANE Select); coding-DNA position 3002, C replaced by T.
Protein change: p.Pro1001Leu; replaces proline 1001 with leucine.
Molecular consequence: missense variant.
Genome position (GRCh38, 1-based): chr6:32,085,896, G>A on the plus strand (C>T on the coding strand, the complement: TNXB is on the minus strand). VCF-style: chr6-32085896-G-A. GRCh37 (hg19) VCF-style: chr6-32053673-G-A.
Other names: c.3002C>T (NM_019105.6); c.3002C>T, p.Pro1001Leu (NM_019105.8); short protein forms P1001L.
Identifiers: ClinVar variation 801017 (VCV000801017.5), dbSNP rs768607753, ClinGen allele CA3735273.
Genomic context (GRCh38, chr6:32,085,896, plus strand): 5'-GGGGGTGGAGGCACCAGAGCCTGGCGGACGTCCCCTGGCAGCACTTCCTCATGTGCCCCC[G>A]GCCCCTCGGGCACCCGCATGCGCAGTTGGAAGTAGGCAAAGGTGTCAGGCTGGGCGGTCC-3'
Protein context (NP_001352205.1, residues 991-1011): FQLRMRVPEG[Pro1001Leu]GAHEEVLPGD

ClinVar aggregate classification (germline): Uncertain significance. Review status: criteria provided, multiple submitters, no conflicts (2 of 4 stars). 3 submissions from 3 submitters: Uncertain significance (3). Last evaluated 2026-04-20.

Conditions:
Ehlers-Danlos syndrome due to tenascin-X deficiency (EDSCLL1). Also called: TNX DEFICIENCY; TNXB-Related Classical-Like Ehlers-Danlos Syndrome; EDS DUE TO TNX DEFICIENCY; EHLERS-DANLOS SYNDROME, CLASSIC-LIKE; Ehlers-Danlos syndrome, classic-like, 1. Identifiers: Orphanet 230839, MedGen C1848029, MONDO:0011670, OMIM 606408.

Allele frequency attached by ClinVar (database versions not stated): gnomAD 0.00001 and 0.00002; TOPMed 0.00001; ExAC 0.00002; gnomAD exomes 0.00002.
gnomAD v4.1: 13 of 1,608,150 alleles (0.00081%); highest among the groups gnomAD compares: Admixed American, 0.0033%; no homozygotes.

Submissions (3):

Women's Health and Genetics/Laboratory Corporation of America, LabCorp
Classification: Uncertain significance. Last evaluated: 2026-04-20. Review status: criteria provided, single submitter. Criteria: LabCorp Variant Classification Summary - May 2015. Collection method: clinical testing. Allele origin: germline.
Comment: Variant summary: TNXB c.3002C>T (p.Pro1001Leu) results in a non-conservative amino acid change in the encoded protein sequence. Algorithms developed to predict the effect of missense changes on protein structure and function are either unavailable or do not agree on the potential impact of this missense change. The variant allele was found at a frequency of 1.6e-05 in 243986 control chromosomes. The available data on variant occurrences in the general population are insufficient to allow any conclusion about variant significance. To our knowledge, no occurrence of c.3002C>T in individuals affected with TNXB-related conditions and no experimental evidence demonstrating its impact on protein function have been reported. ClinVar contains an entry for this variant (Variation ID: 801017). Based on the evidence outlined above, the variant was classified as uncertain significance.

GeneDx
Classification: Uncertain significance. Last evaluated: 2022-10-13. Review status: criteria provided, single submitter. Criteria: GeneDx Variant Classification Process June 2021. Collection method: clinical testing. Allele origin: germline. Affected: yes.
Comment: Not observed at significant frequency in large population cohorts (gnomAD); In silico analysis supports that this missense variant has a deleterious effect on protein structure/function; Has not been previously published as pathogenic or benign to our knowledge

Foundation for Research in Genetics and Endocrinology, FRIGE's Institute of Human Genetics
Classification: Uncertain significance for Ehlers-Danlos syndrome due to tenascin-X deficiency. Last evaluated: 2019-12-13. Review status: criteria provided, single submitter. Criteria: ACMG Guidelines, 2015. Collection method: clinical testing. Allele origin: germline. Inheritance: Autosomal dominant inheritance. Affected: yes. Observed: 1 heterozygote.
Comment: A heterozygous missense variation in exon 7 of the TNXB gene that results in the aminoacid substitution of Leucine for Proline at codon 1001 was detected. The observed variant c.3002C>T (p.Pro1001Leu) has not been reported in the 1000 genomes and has a minor allele frequency of 0.002% in the ExAC database. The in silico prediction of the variant is damaging by SIFT. The reference codon is conserved across species.